The following is an entry in ClinVar:

NM_001287.6(CLCN7):c.775G>A (p.Ala259Thr)

Gene: CLCN7 (chloride voltage-gated channel 7; minus strand). Cytogenetic location: 16p13.3.
Variant type: single nucleotide variant.
Coding change: c.775G>A on transcript NM_001287.6 (MANE Select); coding-DNA position 775, G replaced by A.
Protein change: p.Ala259Thr; replaces alanine 259 with threonine.
Molecular consequence: missense variant.
Genome position (GRCh38, 1-based): chr16:1,457,301, C>T on the plus strand (G>A on the coding strand, the complement: CLCN7 is on the minus strand). VCF-style: chr16-1457301-C-T. GRCh37 (hg19) VCF-style: chr16-1507302-C-T.
Other names: c.703G>A, p.Ala235Thr (NM_001114331.3); short protein forms A259T, A235T.
Identifiers: ClinVar variation 2365929 (VCV002365929.5), dbSNP rs758953225, ClinGen allele CA7810577.

ClinVar aggregate classification (germline): Uncertain significance. Review status: criteria provided, multiple submitters, no conflicts (2 of 4 stars). 2 submissions from 2 submitters: Uncertain significance (2). Last evaluated 2023-11-06.

Conditions:
Inborn genetic diseases. Identifiers: MedGen C0950123, MeSH D030342.

Allele frequency attached by ClinVar (database versions not stated): TOPMed below 0.00001; ExAC 0.00001; gnomAD 0.00001.
gnomAD v4.1: 17 of 1,613,924 alleles (0.0011%); highest among the groups gnomAD compares: Admixed American, 0.0033%; no homozygotes.

Submissions (2):

Labcorp Genetics (formerly Invitae), Labcorp
Classification: Uncertain significance. Last evaluated: 2023-11-06. Review status: criteria provided, single submitter. Criteria: Invitae Variant Classification Sherloc (09022015). Collection method: clinical testing. Allele origin: germline.
Comment: This sequence change replaces alanine, which is neutral and non-polar, with threonine, which is neutral and polar, at codon 259 of the CLCN7 protein (p.Ala259Thr). This variant is present in population databases (rs758953225, gnomAD 0.01%). This variant has not been reported in the literature in individuals affected with CLCN7-related conditions. ClinVar contains an entry for this variant (Variation ID: 2365929). An algorithm developed to predict the effect of missense changes on protein structure and function (PolyPhen-2) suggests that this variant is likely to be disruptive. In summary, the available evidence is currently insufficient to determine the role of this variant in disease. Therefore, it has been classified as a Variant of Uncertain Significance.

Ambry Genetics
Classification: Uncertain significance for Inborn genetic diseases. Last evaluated: 2022-02-03. Review status: criteria provided, single submitter. Criteria: Ambry Variant Classification Scheme 2023. Collection method: clinical testing. Allele origin: germline.